The following is an entry in ClinVar:

ClinVar aggregate classification (germline): Uncertain significance. Review status: criteria provided, multiple submitters, no conflicts (2 of 4 stars). 2 submissions from 2 submitters: Uncertain significance (2). Last evaluated 2024-03-17.

Conditions:
Epilepsy, idiopathic generalized, susceptibility to, 10. Identifiers: MedGen C2751603, MONDO:0013103, OMIM 613060.
Idiopathic generalized epilepsy. Also called: Generalised epilepsy; EIG. Identifiers: MedGen C0270850, MONDO:0005579, OMIM 600669.

Allele frequency attached by ClinVar (database versions not stated): ExAC 0.00001; gnomAD exomes 0.00002.
gnomAD v4.1: 23 of 1,612,990 alleles (0.0014%); highest among the groups gnomAD compares: East Asian, 0.0022%; no homozygotes.

Submissions (2):

Genomic Medicine Center of Excellence, King Faisal Specialist Hospital and Research Centre
Classification: Uncertain significance for Epilepsy, idiopathic generalized, susceptibility to, 10. Last evaluated: 2024-03-17. Review status: criteria provided, single submitter. Criteria: ACMG Guidelines, 2015. Collection method: research. Allele origin: germline.

Labcorp Genetics (formerly Invitae), Labcorp
Classification: Uncertain significance for Idiopathic generalized epilepsy. Last evaluated: 2024-02-17. Review status: criteria provided, single submitter. Criteria: Invitae Variant Classification Sherloc (09022015). Collection method: clinical testing. Allele origin: germline.
Comment: This sequence change replaces threonine, which is neutral and polar, with methionine, which is neutral and non-polar, at codon 292 of the GABRD protein (p.Thr292Met). This variant is present in population databases (rs778104822, gnomAD 0.003%). This missense change has been observed in individual(s) with neurodevelopmental conditions (PMID: 28600779). An algorithm developed to predict the effect of missense changes on protein structure and function (PolyPhen-2) suggests that this variant is likely to be disruptive. In summary, the available evidence is currently insufficient to determine the role of this variant in disease. Therefore, it has been classified as a Variant of Uncertain Significance.

Literature cited by the submitters: PubMed 28600779 (cited by Labcorp Genetics (formerly Invitae), Labcorp).

NM_000815.5(GABRD):c.875C>T (p.Thr292Met)

Gene: GABRD (gamma-aminobutyric acid type A receptor subunit delta; plus strand). Cytogenetic location: 1p36.33.
Variant type: single nucleotide variant.
Coding change: c.875C>T on transcript NM_000815.5 (MANE Select); coding-DNA position 875, C replaced by T.
Protein change: p.Thr292Met; replaces threonine 292 with methionine.
Molecular consequence: missense variant.
Genome position (GRCh38, 1-based): chr1:2,029,578, C>T. VCF-style: chr1-2029578-C-T. GRCh37 (hg19) VCF-style: chr1-1961017-C-T.
Other names: short protein forms T292M.
Identifiers: ClinVar variation 3064155 (VCV003064155.4), dbSNP rs778104822, ClinGen allele CA534834.